The following is an entry in ClinVar:

NM_004369.4(COL6A3):c.3164T>A (p.Val1055Glu)

Gene: COL6A3 (collagen type VI alpha 3 chain; minus strand). Cytogenetic location: 2q37.3.
Variant type: single nucleotide variant.
Coding change: c.3164T>A on transcript NM_004369.4 (MANE Select); coding-DNA position 3164, T replaced by A.
Protein change: p.Val1055Glu; replaces valine 1055 with glutamic acid.
Molecular consequence: missense variant.
Genome position (GRCh38, 1-based): chr2:237,374,927, A>T on the plus strand (T>A on the coding strand, the complement: COL6A3 is on the minus strand). VCF-style: chr2-237374927-A-T. GRCh37 (hg19) VCF-style: chr2-238283570-A-T.
Other names: c.1943T>A, p.Val648Glu (NM_057164.5); c.2546T>A, p.Val849Glu (NM_057165.5, NM_057167.4); c.1343T>A, p.Val448Glu (NM_057166.5); short protein forms V1055E, V448E, V648E, V849E.
Identifiers: ClinVar variation 664370 (VCV000664370.9), dbSNP rs532449385, ClinGen allele CA2189229.

ClinVar aggregate classification (germline): Uncertain significance (1 of 4 stars; one submission).

Conditions:
Bethlem myopathy 1A. Also called: Bethlem Muscular Dystrophy; Bethlem myopathy 1; MYOPATHY, BENIGN CONGENITAL, WITH CONTRACTURES. Identifiers: Orphanet 610, MedGen CN029274, MONDO:0024530, OMIM 158810.

Allele frequency attached by ClinVar (database versions not stated): gnomAD exomes below 0.00001; ExAC 0.00001; gnomAD 0.00001; 1000 Genomes Project 30x 0.00016; 1000 Genomes Project 0.00020.

Submission:

Labcorp Genetics (formerly Invitae), Labcorp
Classification: Uncertain significance for Bethlem myopathy 1A. Last evaluated: 2022-08-15. Review status: criteria provided, single submitter. Criteria: Invitae Variant Classification Sherloc (09022015). Collection method: clinical testing. Allele origin: germline.
Comment: Algorithms developed to predict the effect of missense changes on protein structure and function (SIFT, PolyPhen-2, Align-GVGD) all suggest that this variant is likely to be disruptive. In summary, the available evidence is currently insufficient to determine the role of this variant in disease. Therefore, it has been classified as a Variant of Uncertain Significance. ClinVar contains an entry for this variant (Variation ID: 664370). This variant has not been reported in the literature in individuals affected with COL6A3-related conditions. This variant is present in population databases (rs532449385, gnomAD 0.007%). This sequence change replaces valine, which is neutral and non-polar, with glutamic acid, which is acidic and polar, at codon 1055 of the COL6A3 protein (p.Val1055Glu).